The following is an entry in ClinVar:

NM_012154.5(AGO2):c.424G>A (p.Ala142Thr)

Gene: AGO2 (argonaute RISC catalytic component 2; minus strand). Cytogenetic location: 8q24.3.
Variant type: single nucleotide variant.
Coding change: c.424G>A on transcript NM_012154.5 (MANE Select); coding-DNA position 424, G replaced by A.
Protein change: p.Ala142Thr; replaces alanine 142 with threonine.
Molecular consequence: missense variant.
Genome position (GRCh38, 1-based): chr8:140,562,547, C>T on the plus strand (G>A on the coding strand, the complement: AGO2 is on the minus strand). VCF-style: chr8-140562547-C-T. GRCh37 (hg19) VCF-style: chr8-141572646-C-T.
Other names: c.424G>A, p.Ala142Thr (NM_001164623.3); short protein forms A142T.
Identifiers: ClinVar variation 1411820 (VCV001411820.8), dbSNP rs753058876, ClinGen allele CA4894709.

ClinVar aggregate classification (germline): Uncertain significance. Review status: criteria provided, multiple submitters, no conflicts (2 of 4 stars). 2 submissions from 2 submitters: Uncertain significance (2). Last evaluated 2025-08-07.

Allele frequency attached by ClinVar (database versions not stated): ExAC 0.00001.
gnomAD v4.1: 2 of 1,614,160 alleles (0.00012%); highest among the groups gnomAD compares: Non-Finnish European, 0.00017%; no homozygotes.

Submissions (2):

Dasa
Classification: Uncertain significance. Last evaluated: 2025-08-07. Review status: criteria provided, single submitter. Criteria: DASA Assertion Criteria. Collection method: clinical testing. Allele origin: germline.
Comment: NM_012154.5(AGO2):c.424G>A (p.Ala142Thr) is a missense variant that results in the substitution of alanine with threonine. This variant is rare in population databases. Computational prediction algorithms are consistent with a benign effect. The currently available literature and clinical evidence are not sufficient to establish a definitive association between this variant and the reported condition. Therefore, this variant is classified as a variant of uncertain significance.

Labcorp Genetics (formerly Invitae), Labcorp
Classification: Uncertain significance. Last evaluated: 2021-08-17. Review status: criteria provided, single submitter. Criteria: Invitae Variant Classification Sherloc (09022015). Collection method: clinical testing. Allele origin: germline.
Comment: This sequence change replaces alanine with threonine at codon 142 of the AGO2 protein (p.Ala142Thr). The alanine residue is highly conserved and there is a small physicochemical difference between alanine and threonine. This variant is present in population databases (rs753058876, ExAC 0.002%). This variant has not been reported in the literature in individuals affected with AGO2-related conditions. Algorithms developed to predict the effect of missense changes on protein structure and function (SIFT, PolyPhen-2, Align-GVGD) all suggest that this variant is likely to be tolerated. In summary, the available evidence is currently insufficient to determine the role of this variant in disease. Therefore, it has been classified as a Variant of Uncertain Significance.